The following is an entry in ClinVar:

ClinVar aggregate classification (germline): Uncertain significance. Review status: criteria provided, multiple submitters, no conflicts (2 of 4 stars). 2 submissions from 2 submitters: Uncertain significance (2). Last evaluated 2025-02-27.

Conditions:
Inborn genetic diseases. Identifiers: MedGen C0950123, MeSH D030342.
Cataract 18 (CATC2). Also called: CATARACT 18, AUTOSOMAL RECESSIVE. Identifiers: Orphanet 91492, Orphanet 98991, Orphanet 98992, Orphanet 98995, MedGen C1864908, MONDO:0012395, OMIM 610019.

Allele frequency attached by ClinVar (database versions not stated): ExAC 0.00003; gnomAD 0.00003 and 0.00004; gnomAD exomes 0.00003 and 0.00006; TOPMed 0.00003.
gnomAD v4.1: 95 of 1,611,218 alleles (0.0059%); highest among the groups gnomAD compares: Non-Finnish European, 0.0071%; no homozygotes.

Submissions (2):

Ambry Genetics
Classification: Uncertain significance for Inborn genetic diseases. Last evaluated: 2025-02-27. Review status: criteria provided, single submitter. Criteria: Ambry Variant Classification Scheme 2023. Collection method: clinical testing. Allele origin: germline.

Labcorp Genetics (formerly Invitae), Labcorp
Classification: Uncertain significance for Cataract 18. Last evaluated: 2021-08-28. Review status: criteria provided, single submitter. Criteria: Invitae Variant Classification Sherloc (09022015). Collection method: clinical testing. Allele origin: germline.
Comment: This sequence change replaces aspartic acid with glycine at codon 1473 of the FYCO1 protein (p.Asp1473Gly). The aspartic acid residue is highly conserved and there is a moderate physicochemical difference between aspartic acid and glycine. This variant is present in population databases (rs778635228, ExAC 0.006%). This variant has not been reported in the literature in individuals affected with FYCO1-related conditions. Algorithms developed to predict the effect of missense changes on protein structure and function are either unavailable or do not agree on the potential impact of this missense change (SIFT: "Deleterious"; PolyPhen-2: "Possibly Damaging"; Align-GVGD: "Class C0"). In summary, the available evidence is currently insufficient to determine the role of this variant in disease. Therefore, it has been classified as a Variant of Uncertain Significance.

NM_024513.4(FYCO1):c.4418A>G (p.Asp1473Gly)

Gene: FYCO1 (FYVE and coiled-coil domain autophagy adaptor 1; minus strand). Cytogenetic location: 3p21.31.
Variant type: single nucleotide variant.
Coding change: c.4418A>G on transcript NM_024513.4 (MANE Select); coding-DNA position 4418, A replaced by G.
Protein change: p.Asp1473Gly; replaces aspartic acid 1473 with glycine.
Molecular consequence: missense variant.
Genome position (GRCh38, 1-based): chr3:45,921,784, T>C on the plus strand (A>G on the coding strand, the complement: FYCO1 is on the minus strand). VCF-style: chr3-45921784-T-C. GRCh37 (hg19) VCF-style: chr3-45963276-T-C.
Other names: c.4418A>G (NM_024513.2); short protein forms D1473G.
Identifiers: ClinVar variation 937437 (VCV000937437.5), dbSNP rs778635228, ClinGen allele CA2352298.
Genomic context (GRCh38, chr3:45,921,784, plus strand): 5'-GTGTTTCCTGTGGATGAAGTGAAGTTACTGAGGTGCTGAAGCTACAGGAAATCACTTCCA[T>C]CGTAGATCACAGGCCGATCAACCGTCAAGTGATAAAATACCTTTTTAGAGACAAACCTGA-3'
Protein context (NP_078789.2, residues 1463-1478): HLTVDRPVIY[Asp1473Gly]GSDFL